The following is an entry in ClinVar:

NM_001170629.2(CHD8):c.2132T>G (p.Phe711Cys)

Gene: CHD8 (chromodomain helicase DNA binding protein 8; minus strand). Cytogenetic location: 14q11.2.
Variant type: single nucleotide variant.
Coding change: c.2132T>G on transcript NM_001170629.2 (MANE Select); coding-DNA position 2132, T replaced by G.
Protein change: p.Phe711Cys; replaces phenylalanine 711 with cysteine.
Molecular consequence: missense variant.
Genome position (GRCh38, 1-based): chr14:21,414,311, A>C on the plus strand (T>G on the coding strand, the complement: CHD8 is on the minus strand). VCF-style: chr14-21414311-A-C. GRCh37 (hg19) VCF-style: chr14-21882470-A-C.
Other names: c.1295T>G, p.Phe432Cys (NM_020920.4); short protein forms F432C, F711C.
Identifiers: ClinVar variation 4885812 (VCV004885812.2).

ClinVar aggregate classification (germline): Uncertain significance (1 of 4 stars; one submission).

gnomAD v4.1: 1 of 1,486,906 alleles (0.000067%); highest among the groups gnomAD compares: Non-Finnish European, 0.000093%; no homozygotes.

Submission:

Dasa
Classification: Uncertain significance. Last evaluated: 2025-10-29. Review status: criteria provided, single submitter. Criteria: DASA Assertion Criteria. Collection method: clinical testing. Allele origin: germline.
Comment: NM_001170629.2(CHD8):c.2132T>G (p.Phe711Cys) is a missense variant that results in the substitution of phenylalanine with cysteine. This variant is rare in population databases. Computational prediction algorithms are consistent with a deleterious effect. The currently available literature and clinical evidence are not sufficient to establish a definitive association between this variant and the reported condition. Therefore, this variant is classified as a variant of uncertain significance.